The following is an entry in ClinVar:

NM_006509.4(RELB):c.1580A>C (p.Glu527Ala)

Gene: RELB (RELB proto-oncogene, NF-kB subunit; plus strand). Cytogenetic location: 19q13.32.
Variant type: single nucleotide variant.
Coding change: c.1580A>C on transcript NM_006509.4 (MANE Select); coding-DNA position 1580, A replaced by C.
Protein change: p.Glu527Ala; replaces glutamic acid 527 with alanine.
Molecular consequence: missense variant.
Genome position (GRCh38, 1-based): chr19:45,037,630, A>C. VCF-style: chr19-45037630-A-C. GRCh37 (hg19) VCF-style: chr19-45540888-A-C.
Other names: c.1571A>C, p.Glu524Ala (NM_001411087.1); short protein forms E524A, E527A.
Identifiers: ClinVar variation 3611686 (VCV003611686.2).

ClinVar aggregate classification (germline): Uncertain significance (1 of 4 stars; one submission).

gnomAD v4.1: 9 of 1,601,240 alleles (0.00056%); highest among the groups gnomAD compares: Non-Finnish European, 0.00077%; no homozygotes.

Submission:

Labcorp Genetics (formerly Invitae), Labcorp
Classification: Uncertain significance. Last evaluated: 2024-12-30. Review status: criteria provided, single submitter. Criteria: Invitae Variant Classification Sherloc (09022015). Collection method: clinical testing. Allele origin: germline.
Comment: This sequence change replaces glutamic acid, which is acidic and polar, with alanine, which is neutral and non-polar, at codon 527 of the RELB protein (p.Glu527Ala). This variant is present in population databases (rs772890727, gnomAD 0.002%). This variant has not been reported in the literature in individuals affected with RELB-related conditions. An algorithm developed to predict the effect of missense changes on protein structure and function (PolyPhen-2) suggests that this variant is likely to be tolerated. In summary, the available evidence is currently insufficient to determine the role of this variant in disease. Therefore, it has been classified as a Variant of Uncertain Significance.